The following is an entry in ClinVar:

NM_030780.5(SLC25A32):c.813-6C>G

Gene: SLC25A32 (solute carrier family 25 member 32; minus strand). Cytogenetic location: 8q22.3.
Variant type: single nucleotide variant.
Coding change: c.813-6C>G on transcript NM_030780.5 (MANE Select); 6 bases into the intron before coding-DNA position 813, C replaced by G.
Molecular consequence: intron variant.
Genome position (GRCh38, 1-based): chr8:103,400,552, G>C on the plus strand (C>G on the coding strand, the complement: SLC25A32 is on the minus strand). VCF-style: chr8-103400552-G-C. GRCh37 (hg19) VCF-style: chr8-104412780-G-C.
Identifiers: ClinVar variation 2878390 (VCV002878390.3), dbSNP rs2488186683, ClinGen allele CA2688192609.

ClinVar aggregate classification (germline): Uncertain significance (1 of 4 stars; one submission).

Allele frequency attached by ClinVar (database versions not stated): gnomAD exomes below 0.00001.
gnomAD v4.1: 2 of 1,613,058 alleles (0.00012%); highest among the groups gnomAD compares: Admixed American, 0.0017%; no homozygotes.

Submission:

Labcorp Genetics (formerly Invitae), Labcorp
Classification: Uncertain significance. Last evaluated: 2022-11-20. Review status: criteria provided, single submitter. Criteria: Invitae Variant Classification Sherloc (09022015). Collection method: clinical testing. Allele origin: germline.
Comment: This sequence change falls in intron 6 of the SLC25A32 gene. It does not directly change the encoded amino acid sequence of the SLC25A32 protein. This variant is not present in population databases (gnomAD no frequency). This variant has not been reported in the literature in individuals affected with SLC25A32-related conditions. Algorithms developed to predict the effect of sequence changes on RNA splicing suggest that this variant may disrupt the consensus splice site. In summary, the available evidence is currently insufficient to determine the role of this variant in disease. Therefore, it has been classified as a Variant of Uncertain Significance.